The following is an entry in ClinVar:

NM_001378120.1(MBD5):c.1999T>A (p.Leu667Met)

Gene: MBD5 (methyl-CpG binding domain protein 5; plus strand). Cytogenetic location: 2q23.1.
Variant type: single nucleotide variant.
Coding change: c.1999T>A on transcript NM_001378120.1 (MANE Select); coding-DNA position 1999, T replaced by A.
Protein change: p.Leu667Met; replaces leucine 667 with methionine.
Molecular consequence: missense variant.
Genome position (GRCh38, 1-based): chr2:148,469,942, T>A. VCF-style: chr2-148469942-T-A. GRCh37 (hg19) VCF-style: chr2-149227511-T-A.
Other names: p.L667M:TTG>ATG; c.1999T>A, p.Leu667Met (NM_018328.5); short protein forms L667M.
Identifiers: ClinVar variation 206078 (VCV000206078.5), dbSNP rs529715710, ClinGen allele CA315812.
Genomic context (GRCh38, chr2:148,469,942, plus strand): 5'-AAGCTGATGTCTCAGCAAAAAGACGCATTGCGGAAAAGAAAACAACCACCTACGACAGTG[T>A]TGAGTTTGCTCAGACAGTCTCAAATGGATAGTTCTGCAGTTCCTAAACCTGGACCTGACT-3'
Protein context (NP_001365049.1, residues 657-677): RKRKQPPTTV[Leu667Met]SLLRQSQMDS

ClinVar aggregate classification (germline): Uncertain significance. Review status: criteria provided, multiple submitters, no conflicts (2 of 4 stars). 2 submissions from 2 submitters: Uncertain significance (2). Last evaluated 2023-03-13.

Conditions:
Intellectual developmental disorder, autosomal dominant 1. Also called: Intellectual disability, autosomal dominant 1; MBD5 Haploinsufficiency. Identifiers: Orphanet 228402, MedGen C1969562, MONDO:0007974, OMIM 156200.

Allele frequency attached by ClinVar (database versions not stated): TOPMed 0.00001.
gnomAD v4.1: 5 of 1,613,978 alleles (0.00031%); highest among the groups gnomAD compares: Non-Finnish European, 0.00034%; no homozygotes.

Submissions (2):

Labcorp Genetics (formerly Invitae), Labcorp
Classification: Uncertain significance for Intellectual developmental disorder, autosomal dominant 1. Last evaluated: 2023-03-13. Review status: criteria provided, single submitter. Criteria: Invitae Variant Classification Sherloc (09022015). Collection method: clinical testing. Allele origin: germline.
Comment: This variant has not been reported in the literature in individuals affected with MBD5-related conditions. This variant is present in population databases (no rsID available, gnomAD 0.007%). This sequence change replaces leucine, which is neutral and non-polar, with methionine, which is neutral and non-polar, at codon 667 of the MBD5 protein (p.Leu667Met). In summary, the available evidence is currently insufficient to determine the role of this variant in disease. Therefore, it has been classified as a Variant of Uncertain Significance. Advanced modeling of protein sequence and biophysical properties (such as structural, functional, and spatial information, amino acid conservation, physicochemical variation, residue mobility, and thermodynamic stability) performed at Invitae indicates that this missense variant is not expected to disrupt MBD5 protein function. ClinVar contains an entry for this variant (Variation ID: 206078).

GeneDx
Classification: Uncertain significance. Last evaluated: 2015-01-07. Review status: criteria provided, single submitter. Criteria: GeneDx Variant Classification (06012015). Collection method: clinical testing. Allele origin: germline. Affected: yes.
Comment: p.Leu667Met (TTG>ATG): c.1999 T>A in exon 9 of the MBD5 gene (NM_018328.4) The L667M variant has not been published as a mutation, nor has it been reported as a benign polymorphism to our knowledge. It was not observed in approximately 6,500 individuals of European and African American ancestry in the NHLBI Exome Sequencing Project, indicating it is not a common benign variant in these populations. This substitution occurs at a position that is conserved in mammals, and in silico analysis predicts the L667M variant is probably damaging to the protein structure/function. However, this variant is a conservative amino acid substitution, which is not likely to impact secondary protein structure as these residues share similar properties. Additionally, to our knowledge only deletions and frameshift mutations in MBD5 have been published in association with epilepsy. Therefore, based on the currently available information, it is unclear whether the L667M variant is a pathogenic mutation or a rare benign variant. The variant is found in CHILD-EPI panel(s).